The following is an entry in ClinVar:

ClinVar aggregate classification (germline): Uncertain significance (1 of 4 stars; one submission).

Conditions:
Cardiovascular phenotype. Identifiers: MedGen CN230736.

Allele frequency attached by ClinVar (database versions not stated): TOPMed below 0.00001; gnomAD exomes 0.00001; gnomAD 0.00002.
gnomAD v4.1: 6 of 1,613,720 alleles (0.00037%); highest among the groups gnomAD compares: Non-Finnish European, 0.00051%; no homozygotes.

Submission:

Ambry Genetics
Classification: Uncertain significance for Cardiovascular phenotype. Last evaluated: 2023-12-10. Review status: criteria provided, single submitter. Criteria: Ambry Variant Classification Scheme 2023. Collection method: clinical testing. Allele origin: germline.
Comment: The p.A488D variant (also known as c.1463C>A), located in coding exon 11 of the LAMA4 gene, results from a C to A substitution at nucleotide position 1463. The alanine at codon 488 is replaced by aspartic acid, an amino acid with dissimilar properties. This amino acid position is highly conserved in available vertebrate species. In addition, the in silico prediction for this alteration is inconclusive. Since supporting evidence is limited at this time, the clinical significance of this alteration remains unclear.

NM_001105206.3(LAMA4):c.1484C>A (p.Ala495Asp)

Gene: LAMA4 (laminin subunit alpha 4; minus strand). Cytogenetic location: 6q21.
Variant type: single nucleotide variant.
Coding change: c.1484C>A on transcript NM_001105206.3 (MANE Select); coding-DNA position 1484, C replaced by A.
Protein change: p.Ala495Asp; replaces alanine 495 with aspartic acid.
Molecular consequence: missense variant.
Genome position (GRCh38, 1-based): chr6:112,172,678, G>T on the plus strand (C>A on the coding strand, the complement: LAMA4 is on the minus strand). VCF-style: chr6-112172678-G-T. GRCh37 (hg19) VCF-style: chr6-112493880-G-T.
Other names: c.1463C>A, p.Ala488Asp (NM_001105207.3, NM_002290.5); short protein forms A495D, A488D.
Identifiers: ClinVar variation 1773196 (VCV001773196.2), dbSNP rs1386126180, ClinGen allele CA365370624.